The following is an entry in ClinVar:

NM_003244.4(TGIF1):c.16+10C>T

Gene: TGIF1 (TGFB induced factor homeobox 1; plus strand). Cytogenetic location: 18p11.31.
Variant type: single nucleotide variant.
Coding change: c.16+10C>T on transcript NM_003244.4 (MANE Select); 10 bases into the intron after coding-DNA position 16, C replaced by T.
Molecular consequence: intron variant.
Genome position (GRCh38, 1-based): chr18:3,450,515, C>T. VCF-style: chr18-3450515-C-T. GRCh37 (hg19) VCF-style: chr18-3450513-C-T.
Other names: c.16+10C>T (NM_003244.3, NM_173208.3, NM_001278684.2); c.-44-5839C>T (NM_174886.3, NM_001278686.3); c.58+2718C>T (NM_173207.4); c.-45+1976C>T (NM_001374396.1); c.25+859C>T (NM_001278682.2); c.-45+445C>T (NM_173209.3).
Identifiers: ClinVar variation 1595745 (VCV001595745.10), dbSNP rs373881756, ClinGen allele CA8875689.

ClinVar aggregate classification (germline): Likely benign. Review status: criteria provided, single submitter (1 of 4 stars). 2 submissions from 2 submitters: Likely benign (1). 1 of the submissions does not count toward it. Last evaluated 2025-06-12.

Conditions:
TGIF1-related disorder. Also called: TGIF1-related condition.
Holoprosencephaly 4 (HPE4). Identifiers: Orphanet 2162, MedGen C1840528, MONDO:0007734, OMIM 142946.

Allele frequency attached by ClinVar (database versions not stated): gnomAD 0.00004; ExAC 0.00005; gnomAD exomes 0.00005; TOPMed 0.00005; ESP Exome Variant Server 0.00016.
gnomAD v4.1: 87 of 1,560,502 alleles (0.0056%); highest among the groups gnomAD compares: Non-Finnish European, 0.007%; no homozygotes.

Submissions (2):

Labcorp Genetics (formerly Invitae), Labcorp
Classification: Likely benign for Holoprosencephaly 4. Last evaluated: 2025-06-12. Review status: criteria provided, single submitter. Criteria: Invitae Variant Classification Sherloc (09022015). Collection method: clinical testing. Allele origin: germline.

PreventionGenetics, part of Exact Sciences
Classification: Likely benign for TGIF1-related condition. Last evaluated: 2019-04-29. Review status: no assertion criteria provided. Collection method: clinical testing. Allele origin: germline. Not counted in ClinVar's aggregate classification.
Comment: This variant is classified as likely benign based on ACMG/AMP sequence variant interpretation guidelines (Richards et al. 2015 PMID: 25741868, with internal and published modifications).